The following is an entry in ClinVar:

NM_144999.4(LRRC45):c.839C>T (p.Ser280Leu)

Gene: LRRC45 (leucine rich repeat containing 45; plus strand). Cytogenetic location: 17q25.3.
Variant type: single nucleotide variant.
Coding change: c.839C>T on transcript NM_144999.4 (MANE Select); coding-DNA position 839, C replaced by T.
Protein change: p.Ser280Leu; replaces serine 280 with leucine.
Molecular consequence: missense variant.
Genome position (GRCh38, 1-based): chr17:82,027,679, C>T. VCF-style: chr17-82027679-C-T. GRCh37 (hg19) VCF-style: chr17-79985555-C-T.
Other names: short protein forms S280L.
Identifiers: ClinVar variation 4979989 (VCV004979989.1).

ClinVar aggregate classification (germline): Uncertain significance (1 of 4 stars; one submission).

Conditions:
LRRC45-related disorder. Also called: LRRC45-related condition.

gnomAD v4.1: 24 of 1,610,004 alleles (0.0015%); highest among the groups gnomAD compares: Non-Finnish European, 0.0018%; no homozygotes.

Submission:

PreventionGenetics, part of Exact Sciences
Classification: Uncertain significance for LRRC45-related condition. Last evaluated: 2025-08-15. Review status: criteria provided, single submitter. Criteria: ACMG Guidelines, 2015. Collection method: clinical testing. Allele origin: germline.
Comment: The LRRC45 c.839C>T variant is predicted to result in the amino acid substitution p.Ser280Leu. To our knowledge, this variant has not been reported in the literature. This variant is reported in 0.0016% of alleles in individuals of European (Non-Finnish) descent in gnomAD. At this time, the clinical significance of this variant is uncertain due to the absence of conclusive functional and genetic evidence.